The following is an entry in ClinVar:

NM_000023.4(SGCA):c.1025_1026del (p.Glu342fs)

Gene: SGCA (sarcoglycan alpha; plus strand). Cytogenetic location: 17q21.33.
Variant type: Microsatellite.
Coding change: c.1025_1026del on transcript NM_000023.4 (MANE Select); coding-DNA positions 1025 to 1026, 2 bases deleted (AG; older notation c.1025_1026delAG).
Protein change: p.Glu342fs; shifts the reading frame from glutamic acid 342.
Molecular consequence: frameshift variant. On other transcripts: non-coding transcript variant (1).
Genome position (GRCh38, 1-based): chr17:50,175,298-50,175,299, AG deleted; deleting any 2 consecutive bases within chr17:50,175,296-50,175,299 gives the same sequence; the c. name uses the placement nearest the transcript's 3' end. VCF-style (leftmost placement, unchanged base first): chr17-50175295-CAG-C. GRCh37 (hg19) VCF-style: chr17-48252656-CAG-C.
Other names: c.653_654del, p.Glu218fs (NM_001135697.3); short protein forms E218fs, E342fs.
Identifiers: ClinVar variation 2678673 (VCV002678673.4), dbSNP rs2509133581, ClinGen allele CA2695200274.

ClinVar aggregate classification (germline): Pathogenic/Likely pathogenic. Review status: criteria provided, multiple submitters, no conflicts (2 of 4 stars). 2 submissions from 2 submitters: Pathogenic (1); Likely pathogenic (1). Last evaluated 2023-02-21.

Conditions:
Autosomal recessive limb-girdle muscular dystrophy type 2D (LGMDR3). Also called: MUSCULAR DYSTROPHY, LIMB-GIRDLE, AUTOSOMAL RECESSIVE 3; ADHALINOPATHY, PRIMARY; DUCHENNE-LIKE AUTOSOMAL RECESSIVE MUSCULAR DYSTROPHY, TYPE 2. Identifiers: Orphanet 62, MedGen C2936332, MONDO:0011968, OMIM 608099. Disease mechanism: Affects gamma-sarcoglycan and also disrupts the integrity of the entire sarcoglycan complex..

Submissions (2):

Labcorp Genetics (formerly Invitae), Labcorp
Classification: Pathogenic for Autosomal recessive limb-girdle muscular dystrophy type 2D. Last evaluated: 2023-02-21. Review status: criteria provided, single submitter. Criteria: Invitae Variant Classification Sherloc (09022015). Collection method: clinical testing. Allele origin: germline.
Comment: For these reasons, this variant has been classified as Pathogenic. This sequence change creates a premature translational stop signal (p.Glu342Glyfs*27) in the SGCA gene. It is expected to result in an absent or disrupted protein product. Loss-of-function variants in SGCA are known to be pathogenic (PMID: 9192266). This variant is not present in population databases (gnomAD no frequency). This variant has not been reported in the literature in individuals affected with SGCA-related conditions.

Baylor Genetics
Classification: Likely pathogenic for Autosomal recessive limb-girdle muscular dystrophy type 2D. Last evaluated: 2023-01-30. Review status: criteria provided, single submitter. Criteria: ACMG Guidelines, 2015. Collection method: clinical testing. Allele origin: unknown.

Literature cited by the submitters: PubMed 9192266 (cited by Labcorp Genetics (formerly Invitae), Labcorp).